The following is an entry in ClinVar:

ClinVar aggregate classification (germline): Pathogenic (1 of 4 stars; one submission).

Conditions:
Pigmentary pallidal degeneration (NBIA1). Also called: Neuroaxonal dystrophy, late infantile; Hallervorden-Spatz disease; PKAN NEUROAXONAL DYSTROPHY, JUVENILE-ONSET; Pantothenate Kinase-Associated Neurodegeneration; Neurodegeneration with brain iron accumulation 1; HARP SYNDROME. Identifiers: Orphanet 157850, MedGen C0018523, MONDO:0009319, OMIM 234200.

Allele frequency attached by ClinVar (database versions not stated): gnomAD exomes below 0.00001.
gnomAD v4.1: 1 of 1,614,208 alleles (0.000062%); highest among the groups gnomAD compares: Non-Finnish European, 0.000085%; no homozygotes.

Submission:

Labcorp Genetics (formerly Invitae), Labcorp
Classification: Pathogenic for Pigmentary pallidal degeneration. Last evaluated: 2023-12-11. Review status: criteria provided, single submitter. Criteria: Invitae Variant Classification Sherloc (09022015). Collection method: clinical testing. Allele origin: germline.
Comment: This sequence change replaces leucine, which is neutral and non-polar, with proline, which is neutral and non-polar, at codon 425 of the PANK2 protein (p.Leu425Pro). This variant is not present in population databases (gnomAD no frequency). This missense change has been observed in individuals with clinical features of neurodegeneration with brain iron accumulation (PMID: 16437574; Invitae). ClinVar contains an entry for this variant (Variation ID: 1416528). Advanced modeling of protein sequence and biophysical properties (such as structural, functional, and spatial information, amino acid conservation, physicochemical variation, residue mobility, and thermodynamic stability) performed at Invitae indicates that this missense variant is expected to disrupt PANK2 protein function with a positive predictive value of 95%. This variant disrupts the p.Leu425 amino acid residue in PANK2. Other variant(s) that disrupt this residue have been observed in individuals with PANK2-related conditions (PMID: 16437574, 18006953), which suggests that this may be a clinically significant amino acid residue. For these reasons, this variant has been classified as Pathogenic.

Literature cited by the submitters: PubMed 16437574; PubMed 18006953.

NM_001386393.1(PANK2):c.944T>C (p.Leu315Pro)

Gene: PANK2 (pantothenate kinase 2; plus strand). Cytogenetic location: 20p13.
Variant type: single nucleotide variant.
Coding change: c.944T>C on transcript NM_001386393.1 (MANE Select); coding-DNA position 944, T replaced by C.
Protein change: p.Leu315Pro; replaces leucine 315 with proline.
Molecular consequence: missense variant. On other transcripts: 5 prime UTR variant (1), non-coding transcript variant (1).
Genome position (GRCh38, 1-based): chr20:3,912,496, T>C. VCF-style: chr20-3912496-T-C. GRCh37 (hg19) VCF-style: chr20-3893143-T-C.
Other names: c.401T>C, p.Leu134Pro (NM_001324191.2, NM_024960.6, NM_153640.4); c.-35T>C (NM_001324193.2); c.1274T>C, p.Leu425Pro (NM_153638.4); short protein forms L315P, L134P, L425P.
Identifiers: ClinVar variation 1416528 (VCV001416528.6), dbSNP rs2146872522, ClinGen allele CA408117348.